The following is an entry in ClinVar:

ClinVar aggregate classification (germline): Likely benign. Review status: criteria provided, multiple submitters, no conflicts (2 of 4 stars). 2 submissions from 2 submitters: Likely benign (2). Last evaluated 2026-05-01.

Allele frequency attached by ClinVar (database versions not stated): TOPMed 0.00003; gnomAD 0.00004 and 0.00005; gnomAD exomes 0.00004 and 0.00005; ExAC 0.00012; 1000 Genomes Project 30x 0.00016.

Submissions (2):

CeGaT Center for Human Genetics Tuebingen
Classification: Likely benign. Last evaluated: 2026-05-01. Review status: criteria provided, single submitter. Criteria: CeGaT Center For Human Genetics Tuebingen Variant Classification Criteria Version 2. Collection method: clinical testing. Allele origin: germline. Affected: yes. Observed: 1 variant allele.
Comment: SOX17: BP4, BP7

Labcorp Genetics (formerly Invitae), Labcorp
Classification: Likely benign. Last evaluated: 2022-11-08. Review status: criteria provided, single submitter. Criteria: Invitae Variant Classification Sherloc (09022015). Collection method: clinical testing. Allele origin: germline.

NM_022454.4(SOX17):c.1002G>C (p.Ser334=)

Gene: SOX17 (SRY-box transcription factor 17; plus strand). Cytogenetic location: 8q11.23.
Variant type: single nucleotide variant.
Coding change: c.1002G>C on transcript NM_022454.4 (MANE Select); coding-DNA position 1002, G replaced by C.
Protein change: p.Ser334=; no amino-acid change (serine 334 retained).
Molecular consequence: synonymous variant.
Genome position (GRCh38, 1-based): chr8:54,459,752, G>C. VCF-style: chr8-54459752-G-C. GRCh37 (hg19) VCF-style: chr8-55372312-G-C.
Identifiers: ClinVar variation 1591727 (VCV001591727.10), dbSNP rs754465608, ClinGen allele CA4751007.